The following is an entry in ClinVar:

ClinVar aggregate classification (germline): Conflicting classifications of pathogenicity. Review status: criteria provided, conflicting classifications (1 of 4 stars). 4 submissions from 4 submitters: Uncertain significance (2); Likely benign (2). Last evaluated 2025-08-14.

Conditions:
Autosomal recessive nonsyndromic hearing loss 3. Also called: NEUROSENSORY NONSYNDROMIC RECESSIVE DEAFNESS 3. Identifiers: Orphanet 90636, MedGen C1838263, MONDO:0010860, OMIM 600316.
MYO15A-related disorder. Also called: MYO15A-related condition.
Inborn genetic diseases. Identifiers: MedGen C0950123, MeSH D030342.

Allele frequency attached by ClinVar (database versions not stated): TOPMed 0.00005; ESP Exome Variant Server 0.00016.
gnomAD v4.1: 125 of 1,613,074 alleles (0.0077%); highest among the groups gnomAD compares: Middle Eastern, 0.049%; no homozygotes.

Submissions (4):

Ambry Genetics
Classification: Uncertain significance for Inborn genetic diseases. Last evaluated: 2025-08-14. Review status: criteria provided, single submitter. Criteria: Ambry Variant Classification Scheme 2023. Collection method: clinical testing. Allele origin: germline.

PreventionGenetics, part of Exact Sciences
Classification: Likely benign for MYO15A-related condition. Last evaluated: 2025-07-07. Review status: criteria provided, single submitter. Criteria: ACMG Guidelines, 2015. Collection method: clinical testing. Allele origin: germline.
Comment: This variant is classified as likely benign based on ACMG/AMP sequence variant interpretation guidelines (Richards et al. 2015 PMID: 25741868, with internal and published modifications).

Labcorp Genetics (formerly Invitae), Labcorp
Classification: Likely benign. Last evaluated: 2024-04-24. Review status: criteria provided, single submitter. Criteria: Invitae Variant Classification Sherloc (09022015). Collection method: clinical testing. Allele origin: germline.

Illumina Laboratory Services, Illumina
Classification: Uncertain significance for Autosomal recessive nonsyndromic hearing loss 3. Last evaluated: 2018-01-13. Review status: criteria provided, single submitter. Criteria: ICSL Variant Classification Criteria 13 December 2019. Collection method: clinical testing. Allele origin: germline.

NM_016239.4(MYO15A):c.1043C>A (p.Pro348Gln)

Gene: MYO15A (myosin XVA; plus strand). Cytogenetic location: 17p11.2.
Variant type: single nucleotide variant.
Coding change: c.1043C>A on transcript NM_016239.4 (MANE Select); coding-DNA position 1043, C replaced by A.
Protein change: p.Pro348Gln; replaces proline 348 with glutamine.
Molecular consequence: missense variant.
Genome position (GRCh38, 1-based): chr17:18,119,843, C>A. VCF-style: chr17-18119843-C-A. GRCh37 (hg19) VCF-style: chr17-18023157-C-A.
Other names: short protein forms P348Q.
Identifiers: ClinVar variation 892339 (VCV000892339.11), dbSNP rs202142174, ClinGen allele CA8423010.